The following is an entry in ClinVar:

NM_000138.5(FBN1):c.3712+1G>T

Gene: FBN1 (fibrillin 1; minus strand). Cytogenetic location: 15q21.1.
Variant type: single nucleotide variant.
Coding change: c.3712+1G>T on transcript NM_000138.5 (MANE Select); the canonical splice donor site of the intron after coding-DNA position 3712, G replaced by T.
Molecular consequence: splice donor variant.
Genome position (GRCh38, 1-based): chr15:48,485,373, C>A on the plus strand (G>T on the coding strand, the complement: FBN1 is on the minus strand). VCF-style: chr15-48485373-C-A. GRCh37 (hg19) VCF-style: chr15-48777570-C-A.
Other names: c.3712+1G>T (NM_001406716.1).
Identifiers: ClinVar variation 1453065 (VCV001453065.8), dbSNP rs794728209, ClinGen allele CA392324289.
Genomic context (GRCh38, chr15:48,485,373, plus strand): 5'-CCTAAACTACTTTACTTAGGAACCTACTGAGAGATTCAACATGAGGCTAGAACCTACTCA[C>A]CGGTGCATGATCTCTGGTCAGGCATTAGTGCAAATCCCGGCTGACAGCTACATTCATAGC-3'

ClinVar aggregate classification (germline): Pathogenic (1 of 4 stars; one submission).

Conditions:
Marfan syndrome (MFS). Also called: MARFAN SYNDROME, TYPE I; Marfan syndrome type 1; Marfan's syndrome; Marfan syndrome, classic; FBN1-Related Marfan Syndrome. Identifiers: Orphanet 284963, Orphanet 558, MedGen C0024796, MONDO:0007947, OMIM 154700.
Familial thoracic aortic aneurysm and aortic dissection (TAAD). Also called: Thoracic aortic aneurysms and dissections. Identifiers: Orphanet 91387, MedGen C4707243, MONDO:0019625.

Submission:

Labcorp Genetics (formerly Invitae), Labcorp
Classification: Pathogenic for Marfan syndrome; Familial thoracic aortic aneurysm and aortic dissection. Last evaluated: 2020-12-10. Review status: criteria provided, single submitter. Criteria: Invitae Variant Classification Sherloc (09022015). Collection method: clinical testing. Allele origin: germline.
Comment: For these reasons, this variant has been classified as Pathogenic. Algorithms developed to predict the effect of sequence changes on RNA splicing suggest that this variant may disrupt the consensus splice site, but this prediction has not been confirmed by published transcriptional studies. This variant has been observed in individual(s) with clinical features of Marfan syndrome (PMID: 31830381, Invitae). This variant is not present in population databases (ExAC no frequency). This sequence change affects a donor splice site in intron 30 of the FBN1 gene. It is expected to disrupt RNA splicing. Variants that disrupt the donor or acceptor splice site typically lead to a loss of protein function (PMID: 16199547), and loss-of-function variants in FBN1 are known to be pathogenic (PMID: 17657824, 19293843).

Literature cited by the submitters: PubMed 31830381; PubMed 16199547; PubMed 17657824; PubMed 19293843.